The following is an entry in ClinVar:

ClinVar aggregate classification (germline): Pathogenic (1 of 4 stars; one submission).

Conditions:
Hereditary breast ovarian cancer syndrome. Also called: Hereditary breast and ovarian cancer syndrome (HBOC); Breast and ovarian cancer; BRCA1- and BRCA2-Associated Hereditary Breast and Ovarian Cancer; Hereditary breast and ovarian cancer syndrome; Hereditary breast and ovarian cancer; Hereditary breast and/or ovarian cancer syndrome. Identifiers: Orphanet 145, MedGen C0677776, MeSH D061325, MONDO:0003582. Disease mechanism: loss of function.

Submission:

Labcorp Genetics (formerly Invitae), Labcorp
Classification: Pathogenic for Hereditary breast ovarian cancer syndrome. Last evaluated: 2023-02-20. Review status: criteria provided, single submitter. Criteria: Invitae Variant Classification Sherloc (09022015). Collection method: clinical testing. Allele origin: germline.
Comment: This variant is not present in population databases (gnomAD no frequency). This sequence change creates a premature translational stop signal (p.Val891Cysfs*6) in the BRCA2 gene. It is expected to result in an absent or disrupted protein product. Loss-of-function variants in BRCA2 are known to be pathogenic (PMID: 20104584). This variant has not been reported in the literature in individuals affected with BRCA2-related conditions. For these reasons, this variant has been classified as Pathogenic.

Literature cited by the submitters: PubMed 20104584.

NM_000059.4(BRCA2):c.2666_2667insC (p.Val891fs)

Gene: BRCA2 (BRCA2 DNA repair associated; plus strand). Cytogenetic location: 13q13.1.
Variant type: Insertion.
Coding change: c.2666_2667insC on transcript NM_000059.4 (MANE Select); coding-DNA positions 2666 to 2667, C inserted.
Protein change: p.Val891fs; shifts the reading frame from valine 891.
Molecular consequence: frameshift variant. On other transcripts: non-coding transcript variant (1), intron variant (2).
Genome position: GRCh38 VCF-style: chr13-32337021-A-AC. GRCh37 (hg19) VCF-style: chr13-32911158-A-AC.
Other names: c.2666_2667insC, p.Val891fs (NM_001406719.1, NM_001406720.1); c.1909+3634_1909+3635insC (NM_001406721.1); c.424+5991_424+5992insC (NM_001406722.1); short protein forms V891fs.
Identifiers: ClinVar variation 2839098 (VCV002839098.3), dbSNP rs2548524455, ClinGen allele CA2739277503.